The following is an entry in ClinVar:

ClinVar aggregate classification (germline): Uncertain significance (1 of 4 stars; one submission).

Conditions:
Hereditary cancer-predisposing syndrome. Also called: Tumor predisposition; Neoplastic Syndromes, Hereditary; Hereditary Cancer Syndrome; Hereditary neoplastic syndrome. Identifiers: Orphanet 140162, MedGen C0027672, MeSH D009386, MONDO:0015356.

Submission:

Ambry Genetics
Classification: Uncertain significance for Hereditary cancer-predisposing syndrome. Last evaluated: 2021-12-18. Review status: criteria provided, single submitter. Criteria: Ambry Variant Classification Scheme 2023. Collection method: clinical testing. Allele origin: germline.
Comment: The p.I2278M variant (also known as c.6834T>G), located in coding exon 46 of the ATM gene, results from a T to G substitution at nucleotide position 6834. The isoleucine at codon 2278 is replaced by methionine, an amino acid with highly similar properties. This amino acid position is well conserved in available vertebrate species. In addition, this alteration is predicted to be tolerated by in silico analysis. Since supporting evidence is limited at this time, the clinical significance of this alteration remains unclear.

NM_000051.4(ATM):c.6834T>G (p.Ile2278Met)

Genes: ATM (ATM serine/threonine kinase; plus strand), C11orf65 (chromosome 11 open reading frame 65; minus strand). Cytogenetic location: 11q22.3.
Variant type: single nucleotide variant.
Coding change: c.6834T>G on transcript NM_000051.4 (MANE Select); coding-DNA position 6834, T replaced by G.
Protein change: p.Ile2278Met; replaces isoleucine 2278 with methionine.
Molecular consequence: missense variant. On other transcripts: intron variant (2).
Genome position (GRCh38, 1-based): chr11:108,326,084, T>G. VCF-style: chr11-108326084-T-G. GRCh37 (hg19) VCF-style: chr11-108196811-T-G.
Other names: c.6834T>G, p.Ile2278Met (NM_001351834.2); c.641-17013A>C (NM_001330368.2); c.*38+9136A>C (NM_001351110.2); short protein forms I2278M.
Identifiers: ClinVar variation 826655 (VCV000826655.6), dbSNP rs1591133356, ClinGen allele CA382556583.
Genomic context (GRCh38, chr11:108,326,084, plus strand): 5'-AAGTATTTATTCCCATATGTCATTTTCATTTCAGCTCCCTGAAAGGGCAATATTTCAAAT[T>G]AAACAGTACAATTCAGTTAGCTGTGGAGTCTCTGAGTGGCAGCTGGAAGAAGCACAAGTA-3'
Protein context (NP_000042.3, residues 2268-2288): TQLPERAIFQ[Ile2278Met]KQYNSVSCGV